The following is an entry in ClinVar:

ClinVar aggregate classification (germline): Benign. Review status: criteria provided, multiple submitters, no conflicts (2 of 4 stars). 6 submissions from 5 submitters: Benign (6). Last evaluated 2026-01-19.

Conditions:
Keratosis follicularis (DAR). Also called: Darier disease; Darier's disease. Identifiers: Orphanet 218, MedGen C0022595, MONDO:0007417, OMIM 124200.
Acrokeratosis verruciformis of Hopf (AKV). Also called: HOPF DISEASE; Acrokeratosis verruciformis. Identifiers: Orphanet 79151, MedGen C0265971, MONDO:0007048, OMIM 101900.

Allele frequency attached by ClinVar (database versions not stated): 1000 Genomes Project 30x 0.00609; 1000 Genomes Project 0.00659; TOPMed 0.01468; ExAC 0.01486; gnomAD 0.01497 and 0.01583; ESP Exome Variant Server 0.01776.
gnomAD v4.1: 27,962 of 1,601,134 alleles (1.7%); highest among the groups gnomAD compares: Non-Finnish European, 2%; 289 homozygotes.

Submissions (6):

Labcorp Genetics (formerly Invitae), Labcorp
Classification: Benign. Last evaluated: 2026-01-19. Review status: criteria provided, single submitter. Criteria: Invitae Variant Classification Sherloc (09022015). Collection method: clinical testing. Allele origin: germline.

Blueprint Genetics
Classification: Benign. Last evaluated: 2024-11-27. Review status: criteria provided, single submitter. Criteria: ACMG Guidelines, 2015. Collection method: clinical testing. Allele origin: germline.

Genome-Nilou Lab
Classification: Benign for Acrokeratosis verruciformis of Hopf. Last evaluated: 2021-12-05. Review status: criteria provided, single submitter. Criteria: ACMG Guidelines, 2015. Collection method: clinical testing. Allele origin: germline. Affected: no.

Genome-Nilou Lab
Classification: Benign for Keratosis follicularis. Last evaluated: 2021-12-05. Review status: criteria provided, single submitter. Criteria: ACMG Guidelines, 2015. Collection method: clinical testing. Allele origin: germline. Affected: no.

GeneDx
Classification: Benign. Last evaluated: 2015-08-13. Review status: criteria provided, single submitter. Criteria: GeneDx Variant Classification (06012015). Collection method: clinical testing. Allele origin: germline. Affected: yes.
Comment: This variant is considered likely benign or benign based on one or more of the following criteria: it is a conservative change, it occurs at a poorly conserved position in the protein, it is predicted to be benign by multiple in silico algorithms, and/or has population frequency not consistent with disease.

Breakthrough Genomics
Classification: Benign. Review status: criteria provided, single submitter. Criteria: ACMG Guidelines, 2015. Collection method: not provided. Allele origin: germline. Inheritance: Autosomal dominant inheritance. Affected: yes.

NM_170665.4(ATP2A2):c.220-18G>A

Gene: ATP2A2 (ATPase sarcoplasmic/endoplasmic reticulum Ca2+ transporting 2; plus strand). Cytogenetic location: 12q24.11.
Variant type: single nucleotide variant.
Coding change: c.220-18G>A on transcript NM_170665.4 (MANE Select); 18 bases into the intron before coding-DNA position 220, G replaced by A.
Molecular consequence: intron variant.
Genome position (GRCh38, 1-based): chr12:110,292,002, G>A. VCF-style: chr12-110292002-G-A. GRCh37 (hg19) VCF-style: chr12-110729807-G-A.
Other names: c.220-18G>A (NM_001681.4).
Identifiers: ClinVar variation 377532 (VCV000377532.12), dbSNP rs35235621, ClinGen allele CA6783649.